The following is an entry in ClinVar:

NM_001904.4(CTNNB1):c.101G>A (p.Gly34Glu)

Genes: CTNNB1 (catenin beta 1; plus strand), LOC126806658 (BRD4-independent group 4 enhancer GRCh37_chr3:41265899-41267098; plus strand). Cytogenetic location: 3p22.1.
Variant type: single nucleotide variant.
Coding change: c.101G>A on transcript NM_001904.4 (MANE Select); coding-DNA position 101, G replaced by A.
Protein change: p.Gly34Glu; replaces glycine 34 with glutamic acid.
Molecular consequence: missense variant.
Genome position (GRCh38, 1-based): chr3:41,224,613, G>A. VCF-style: chr3-41224613-G-A. GRCh37 (hg19) VCF-style: chr3-41266104-G-A.
Other names: c.101G>A, p.Gly34Glu (NM_001098209.2, NM_001098210.2); c.80G>A, p.Gly27Glu (NM_001330729.2); short protein forms G34E, G27E.
Identifiers: ClinVar variation 17584 (VCV000017584.6), dbSNP rs28931589, ClinGen allele CA127277.

ClinVar aggregate classification (germline): Pathogenic; other. Review status: no assertion criteria provided (0 of 4 stars). 2 submissions from 2 submitters: Pathogenic (1). Last evaluated 2016-05-01.
ClinVar aggregate classification (somatic clinical impact): Tier I - Strong. Review status: criteria provided, single submitter (1 of 4 stars). 2 submissions from 1 submitter. Last evaluated 2025-05-08.

Conditions:
Pilomatrixoma (PTR). Also called: Pilomatricoma, somatic; EPITHELIOMA CALCIFICANS OF MALHERBE; PILOMATRICOMA. Identifiers: Orphanet 91414, MedGen C0206711, MeSH D018296, MONDO:0007564, OMIM 132600, HP:0030434.
Medulloblastoma (MDB). Also called: Medulloblastoma, somatic; MEDULLOBLASTOMA PREDISPOSITION SYNDROME. Identifiers: Orphanet 616, MedGen C0025149, MeSH D008527, MONDO:0007959, OMIM 155255, HP:0002885.
Adamantinous craniopharyngioma. Identifiers: MedGen C0431129, MONDO:0002787.
Medulloblastoma WNT activated. Identifiers: MedGen C4331965, MONDO:0850196.

Allele frequency attached by ClinVar (database versions not stated): ExAC 0.00001.

Submissions (4):

Institute for Genomic Medicine (IGM) Clinical Laboratory, Nationwide Children's Hospital
Classification: Tier I - Strong for Medulloblastoma WNT activated. Assertion type: diagnostic. Clinical significance: supports diagnosis. Last evaluated: 2025-05-08. Review status: criteria provided, single submitter. Criteria: AMP/ASCO/CAP Guidelines, 2017. Collection method: clinical testing. Allele origin: somatic. Affected: yes.
Comment: Variant has Tier I (strong) clinical significance as a diagnostic inclusion criterion in medulloblastoma WNT activated, based on the following evidence: 1) Documented in one or more cancer databases (e.g., St. Jude Pecan, COSMIC, CIViC, OncoKB). 2) Appears in one or more well-established professional guidelines (e.g., World Health Organization [WHO]; National Comprehensive Cancer Network [NCCN]) as providing diagnostic, prognostic, or therapeutic information. 3) Information in the literature supports potential biologic effect of variant (PMIDs: 29435196, 30699286). 4) Diagnostic for a specific tumor type/classification according to professional guidelines (Evidence Level A; PMIDs: 28726821, 21163964, 22832581, 22832583, 22722829, 22820256).

Institute for Genomic Medicine (IGM) Clinical Laboratory, Nationwide Children's Hospital
Classification: Tier I - Strong for Adamantinous craniopharyngioma. Assertion type: diagnostic. Clinical significance: supports diagnosis. Last evaluated: 2023-08-28. Review status: criteria provided, single submitter. Criteria: AMP/ASCO/CAP Guidelines, 2017. Collection method: clinical testing. Allele origin: somatic. Affected: yes.
Comment: Variant has Tier I (strong) clinical significance as a diagnostic inclusion criterion in adamantinous craniopharyngioma, based on the following evidence: 1) Documented in one or more cancer databases (e.g., St. Jude Pecan, COSMIC, CIViC, OncoKB). 2) Appears in one or more well-established professional guidelines (e.g., World Health Organization [WHO]; National Comprehensive Cancer Network [NCCN]) as providing diagnostic, prognostic, or therapeutic information. 3) Information in the literature supports potential biologic effect of variant (PMID: 29435196). 4) Diagnostic for a specific tumor type/classification according to professional guidelines (Evidence Level A; PMIDs: 12466115, 24413733, 28069929).

Donald Williams Parsons Laboratory, Baylor College of Medicine
Classification: other for MEDULLOBLASTOMA. Last evaluated: 2016-05-01. Review status: no assertion criteria provided. Collection method: clinical testing. Allele origin: somatic. Inheritance: Somatic mutation. Affected: yes. Study: CSER-BASIC3.

OMIM
Classification: Pathogenic for PILOMATRICOMA, SOMATIC. Last evaluated: 1999-04-01. Review status: no assertion criteria provided. Collection method: literature only. Allele origin: somatic.

Literature cited by the submitters: PubMed 29435196 (cited by Institute for Genomic Medicine (IGM) Clinical Laboratory, Nationwide Children's Hospital); PubMed 30699286 (cited by Institute for Genomic Medicine (IGM) Clinical Laboratory, Nationwide Children's Hospital); PubMed 28726821 (cited by Institute for Genomic Medicine (IGM) Clinical Laboratory, Nationwide Children's Hospital); PubMed 21163964 (cited by Institute for Genomic Medicine (IGM) Clinical Laboratory, Nationwide Children's Hospital); PubMed 22832581 (cited by Institute for Genomic Medicine (IGM) Clinical Laboratory, Nationwide Children's Hospital); PubMed 22832583 (cited by Institute for Genomic Medicine (IGM) Clinical Laboratory, Nationwide Children's Hospital); PubMed 22722829 (cited by Institute for Genomic Medicine (IGM) Clinical Laboratory, Nationwide Children's Hospital); PubMed 22820256 (cited by Institute for Genomic Medicine (IGM) Clinical Laboratory, Nationwide Children's Hospital); PubMed 12466115 (cited by Institute for Genomic Medicine (IGM) Clinical Laboratory, Nationwide Children's Hospital); PubMed 24413733 (cited by Institute for Genomic Medicine (IGM) Clinical Laboratory, Nationwide Children's Hospital); PubMed 28069929 (cited by Institute for Genomic Medicine (IGM) Clinical Laboratory, Nationwide Children's Hospital); PubMed 26822237 (cited by Donald Williams Parsons Laboratory, Baylor College of Medicine); PubMed 10192393 (cited by OMIM).